The following is an entry in ClinVar:

NM_052859.4(RFT1):c.272C>T (p.Pro91Leu)

Gene: RFT1 (RFT1 glycolipid translocator homolog; minus strand). Cytogenetic location: 3p21.1.
Variant type: single nucleotide variant.
Coding change: c.272C>T on transcript NM_052859.4 (MANE Select); coding-DNA position 272, C replaced by T.
Protein change: p.Pro91Leu; replaces proline 91 with leucine.
Molecular consequence: missense variant.
Genome position (GRCh38, 1-based): chr3:53,122,558, G>A on the plus strand (C>T on the coding strand, the complement: RFT1 is on the minus strand). VCF-style: chr3-53122558-G-A. GRCh37 (hg19) VCF-style: chr3-53156574-G-A.
Other names: short protein forms P91L.
Identifiers: ClinVar variation 2149604 (VCV002149604.4), dbSNP rs544311251, ClinGen allele CA353222413.

ClinVar aggregate classification (germline): Uncertain significance (1 of 4 stars; one submission).

Conditions:
RFT1-congenital disorder of glycosylation (CDG1N). Also called: CDG In; Congenital disorder of glycosylation type In; RFT1-CDG. Identifiers: Orphanet 244310, MedGen C2677590, MONDO:0012783, OMIM 612015.

Submission:

Labcorp Genetics (formerly Invitae), Labcorp
Classification: Uncertain significance for RFT1-congenital disorder of glycosylation. Last evaluated: 2022-07-11. Review status: criteria provided, single submitter. Criteria: Invitae Variant Classification Sherloc (09022015). Collection method: clinical testing. Allele origin: germline.
Comment: In summary, the available evidence is currently insufficient to determine the role of this variant in disease. Therefore, it has been classified as a Variant of Uncertain Significance. Algorithms developed to predict the effect of missense changes on protein structure and function (SIFT, PolyPhen-2, Align-GVGD) all suggest that this variant is likely to be tolerated. This variant has not been reported in the literature in individuals affected with RFT1-related conditions. This variant is present in population databases (no rsID available, gnomAD 0.0009%). This sequence change replaces proline, which is neutral and non-polar, with leucine, which is neutral and non-polar, at codon 91 of the RFT1 protein (p.Pro91Leu).